The following is an entry in ClinVar:

ClinVar aggregate classification (germline): Uncertain significance (1 of 4 stars; one submission).

Allele frequency attached by ClinVar (database versions not stated): 1000 Genomes Project 30x 0.00031.
gnomAD v4.1: 10 of 1,613,974 alleles (0.00062%); highest among the groups gnomAD compares: African/African-American, 0.0067%; no homozygotes.

Submission:

Labcorp Genetics (formerly Invitae), Labcorp
Classification: Uncertain significance. Last evaluated: 2021-09-01. Review status: criteria provided, single submitter. Criteria: Invitae Variant Classification Sherloc (09022015). Collection method: clinical testing. Allele origin: germline.
Comment: This sequence change replaces alanine with proline at codon 3438 of the USH2A protein (p.Ala3438Pro). The alanine residue is weakly conserved and there is a small physicochemical difference between alanine and proline. This variant is not present in population databases (ExAC no frequency). This variant has not been reported in the literature in individuals affected with USH2A-related conditions. Algorithms developed to predict the effect of missense changes on protein structure and function (SIFT, PolyPhen-2, Align-GVGD) all suggest that this variant is likely to be tolerated. In summary, the available evidence is currently insufficient to determine the role of this variant in disease. Therefore, it has been classified as a Variant of Uncertain Significance.

NM_206933.4(USH2A):c.10312G>C (p.Ala3438Pro)

Gene: USH2A (usherin; minus strand). Cytogenetic location: 1q41.
Variant type: single nucleotide variant.
Coding change: c.10312G>C on transcript NM_206933.4 (MANE Select); coding-DNA position 10312, G replaced by C.
Protein change: p.Ala3438Pro; replaces alanine 3438 with proline.
Molecular consequence: missense variant.
Genome position (GRCh38, 1-based): chr1:215,786,745, C>G on the plus strand (G>C on the coding strand, the complement: USH2A is on the minus strand). VCF-style: chr1-215786745-C-G. GRCh37 (hg19) VCF-style: chr1-215960087-C-G.
Other names: short protein forms A3438P.
Identifiers: ClinVar variation 1424734 (VCV001424734.5), dbSNP rs146980351, ClinGen allele CA344839819.